The following is an entry in ClinVar:

NM_022173.4(TIA1):c.397T>C (p.Ser133Pro)

Gene: TIA1 (TIA1 cytotoxic granule associated RNA binding protein; minus strand). Cytogenetic location: 2p13.3.
Variant type: single nucleotide variant.
Coding change: c.397T>C on transcript NM_022173.4 (MANE Select); coding-DNA position 397, T replaced by C.
Protein change: p.Ser133Pro; replaces serine 133 with proline.
Molecular consequence: missense variant. On other transcripts: 5 prime UTR variant (3), 3 prime UTR variant (1), non-coding transcript variant (17).
Genome position (GRCh38, 1-based): chr2:70,227,736, A>G on the plus strand (T>C on the coding strand, the complement: TIA1 is on the minus strand). VCF-style: chr2-70227736-A-G. GRCh37 (hg19) VCF-style: chr2-70454868-A-G.
Other names: c.397T>C, p.Ser133Pro (NM_001351508.2, NM_001351516.2, NM_001351518.2 and 2 more transcripts); c.370T>C, p.Ser124Pro (NM_001351509.2); c.364T>C, p.Ser122Pro (NM_001351510.2, NM_001351521.2, NM_022037.4); c.286T>C, p.Ser96Pro (NM_001351511.1); c.259T>C, p.Ser87Pro (NM_001351512.1); c.253T>C, p.Ser85Pro (NM_001351513.1); c.169T>C, p.Ser57Pro (NM_001351514.2, NM_001351523.2); c.94T>C, p.Ser32Pro (NM_001351515.2); and 4 more; short protein forms S87P, S124P, S85P, S122P, S96P, S133P, S32P, S57P.
Identifiers: ClinVar variation 2112168 (VCV002112168.4), dbSNP rs2466994749, ClinGen allele CA347156063.
Genomic context (GRCh38, chr2:70,227,736, plus strand): 5'-TTATGTCTACATATAATTGTTTCTAATTAAAAGGATTTTATTTATCTTCTGTTACTTACG[A>G]TATTCTTCCAAATGGTGCAAAAGCAGCTTTTATATCTTCAGTTGTAATTTCTGGGCTGAG-3'
Protein context (NP_071505.2, residues 123-143): KAAFAPFGRI[Ser133Pro]DARVVKDMAT

ClinVar aggregate classification (germline): Uncertain significance (1 of 4 stars; one submission).

Conditions:
Welander distal myopathy (WDM). Also called: Welander distal myopathy, Swedish type; Distal myopathy, Swedish type; Gower's muscular dystrophy; MUSCULAR DYSTROPHY, DISTAL, LATE-ONSET, AUTOSOMAL DOMINANT. Identifiers: Orphanet 603, MedGen C0221054, MONDO:0011466, OMIM 604454.

Submission:

Labcorp Genetics (formerly Invitae), Labcorp
Classification: Uncertain significance for Welander distal myopathy. Last evaluated: 2023-03-20. Review status: criteria provided, single submitter. Criteria: Invitae Variant Classification Sherloc (09022015). Collection method: clinical testing. Allele origin: germline.
Comment: An algorithm developed to predict the effect of missense changes on protein structure and function (PolyPhen-2) suggests that this variant is likely to be disruptive. ClinVar contains an entry for this variant (Variation ID: 2112168). This variant has not been reported in the literature in individuals affected with TIA1-related conditions. This variant is not present in population databases (gnomAD no frequency). This sequence change replaces serine, which is neutral and polar, with proline, which is neutral and non-polar, at codon 133 of the TIA1 protein (p.Ser133Pro). In summary, the available evidence is currently insufficient to determine the role of this variant in disease. Therefore, it has been classified as a Variant of Uncertain Significance.